The following is an entry in ClinVar:

ClinVar aggregate classification (germline): Pathogenic (1 of 4 stars; one submission).

Conditions:
Hypertrophic cardiomyopathy 20. Identifiers: MedGen C3151267, MONDO:0013477, OMIM 613876.
Dilated cardiomyopathy 1CC (CMD1CC). Identifiers: Orphanet 154, MedGen C2751084, MONDO:0013147, OMIM 613122.

gnomAD v4.1: 1 of 1,613,556 alleles (0.000062%); highest among the groups gnomAD compares: Non-Finnish European, 0.000085%; no homozygotes.

Submission:

Labcorp Genetics (formerly Invitae), Labcorp
Classification: Pathogenic for Dilated cardiomyopathy 1CC; Hypertrophic cardiomyopathy 20. Last evaluated: 2026-01-15. Review status: criteria provided, single submitter. Criteria: Invitae Variant Classification Sherloc (09022015). Collection method: clinical testing. Allele origin: germline.
Comment: This sequence change creates a premature translational stop signal (p.Lys89*) in the NEXN gene. It is expected to result in an absent or disrupted protein product. Loss-of-function variants in NEXN are known to be pathogenic (PMID: 19881492, 32058062, 32814711, 32870709, 33949776, 38059363, 40680702). This variant is not present in population databases (gnomAD no frequency). This premature translational stop signal has been observed in individual(s) with NEXN-related conditions (PMID: 38059363). For these reasons, this variant has been classified as Pathogenic.

Literature cited by the submitters: PubMed 19881492; PubMed 32058062; PubMed 32814711; PubMed 32870709; PubMed 33949776; PubMed 38059363; PubMed 40680702.

NM_144573.4(NEXN):c.265A>T (p.Lys89Ter)

Genes: NEXN (nexilin F-actin binding protein; plus strand), LOC126805765 (BRD4-independent group 4 enhancer GRCh37_chr1:78383688-78384887; plus strand). Cytogenetic location: 1p31.1.
Variant type: single nucleotide variant.
Coding change: c.265A>T on transcript NM_144573.4 (MANE Select); coding-DNA position 265, A replaced by T.
Protein change: p.Lys89Ter; replaces lysine 89 with a stop codon.
Molecular consequence: nonsense.
Genome position (GRCh38, 1-based): chr1:77,918,005, A>T. VCF-style: chr1-77918005-A-T. GRCh37 (hg19) VCF-style: chr1-78383690-A-T.
Other names: c.73A>T, p.Lys25Ter (NM_001172309.2); short protein forms K25*, K89*.
Identifiers: ClinVar variation 4786625 (VCV004786625.1).